The following is an entry in ClinVar:

ClinVar aggregate classification (germline): Uncertain significance. Review status: criteria provided, multiple submitters, no conflicts (2 of 4 stars). 5 submissions from 5 submitters: Uncertain significance (4). 1 of the submissions does not count toward it. Last evaluated 2024-09-02.

Conditions:
Walker-Warburg congenital muscular dystrophy. Also called: Muscular dystrophy-dystroglycanopathy, type A; Walker-Warburg syndrome. Identifiers: Orphanet 899, MedGen C0265221, MONDO:0000171.

Allele frequency attached by ClinVar (database versions not stated): TOPMed 0.00002.
gnomAD v4.1: 47 of 1,604,374 alleles (0.0029%); highest among the groups gnomAD compares: Non-Finnish European, 0.0034%; no homozygotes.

Submissions (5):

Blueprint Genetics
Classification: Uncertain significance. Last evaluated: 2024-09-02. Review status: criteria provided, single submitter. Criteria: ACMG Guidelines, 2015. Collection method: clinical testing. Allele origin: germline.

Revvity Omics, Revvity
Classification: Uncertain significance. Last evaluated: 2024-07-17. Review status: criteria provided, single submitter. Criteria: ACMG Guidelines, 2015. Collection method: clinical testing. Allele origin: germline.

Labcorp Genetics (formerly Invitae), Labcorp
Classification: Uncertain significance for Walker-Warburg congenital muscular dystrophy. Last evaluated: 2024-03-31. Review status: criteria provided, single submitter. Criteria: Invitae Variant Classification Sherloc (09022015). Collection method: clinical testing. Allele origin: germline.
Comment: This sequence change replaces valine, which is neutral and non-polar, with methionine, which is neutral and non-polar, at codon 8 of the FKTN protein (p.Val8Met). This variant is present in population databases (rs368981218, gnomAD 0.009%). This variant has not been reported in the literature in individuals affected with FKTN-related conditions. ClinVar contains an entry for this variant (Variation ID: 566394). Advanced modeling of protein sequence and biophysical properties (such as structural, functional, and spatial information, amino acid conservation, physicochemical variation, residue mobility, and thermodynamic stability) performed at Invitae indicates that this missense variant is not expected to disrupt FKTN protein function with a negative predictive value of 80%. In summary, the available evidence is currently insufficient to determine the role of this variant in disease. Therefore, it has been classified as a Variant of Uncertain Significance.

GeneDx
Classification: Uncertain significance. Last evaluated: 2020-11-12. Review status: criteria provided, single submitter. Criteria: GeneDx Variant Classification Process June 2021. Collection method: clinical testing. Allele origin: germline. Affected: yes.
Comment: Not observed at a significant frequency in large population cohorts (Lek et al., 2016); In silico analysis supports that this missense variant does not alter protein structure/function; Has not been previously published as pathogenic or benign to our knowledge

Natera, Inc.
Classification: Uncertain significance for Walker-Warburg congenital muscular dystrophy. Last evaluated: 2019-10-28. Review status: no assertion criteria provided. Collection method: clinical testing. Allele origin: germline. Not counted in ClinVar's aggregate classification.

NM_001079802.2(FKTN):c.22G>A (p.Val8Met)

Gene: FKTN (fukutin; plus strand). Cytogenetic location: 9q31.2.
Variant type: single nucleotide variant.
Coding change: c.22G>A on transcript NM_001079802.2 (MANE Select); coding-DNA position 22, G replaced by A.
Protein change: p.Val8Met; replaces valine 8 with methionine.
Molecular consequence: missense variant. On other transcripts: 5 prime UTR variant (5), non-coding transcript variant (2).
Genome position (GRCh38, 1-based): chr9:105,575,054, G>A. VCF-style: chr9-105575054-G-A. GRCh37 (hg19) VCF-style: chr9-108337335-G-A.
Other names: c.22G>A, p.Val8Met (NM_001198963.2, NM_001351496.2, NM_001351498.2 and 1 more transcripts); c.-146G>A (NM_001351497.2); c.-493G>A (NM_001351499.2, NM_001351500.2, NM_001351501.2 and 1 more transcripts); short protein forms V8M.
Identifiers: ClinVar variation 566394 (VCV000566394.19), dbSNP rs368981218, ClinGen allele CA5170286.